The following is an entry in ClinVar:

ClinVar aggregate classification (germline): Uncertain significance (1 of 4 stars; one submission).

Submission:

GeneDx
Classification: Uncertain significance. Last evaluated: 2022-12-19. Review status: criteria provided, single submitter. Criteria: GeneDx Variant Classification Process June 2021. Collection method: clinical testing. Allele origin: germline. Affected: yes.
Comment: Not observed at significant frequency in large population cohorts (gnomAD); Canonical splice site variant in a gene or region of a gene for which loss of function is not a well-established mechanism of disease; Has not been previously published as pathogenic or benign to our knowledge

NM_003184.4(TAF2):c.2113-1G>T

Gene: TAF2 (TATA-box binding protein associated factor 2; minus strand). Cytogenetic location: 8q24.12.
Variant type: single nucleotide variant.
Coding change: c.2113-1G>T on transcript NM_003184.4 (MANE Select); the canonical splice acceptor site of the intron before coding-DNA position 2113, G replaced by T.
Molecular consequence: splice acceptor variant.
Genome position (GRCh38, 1-based): chr8:119,781,194, C>A on the plus strand (G>T on the coding strand, the complement: TAF2 is on the minus strand). VCF-style: chr8-119781194-C-A. GRCh37 (hg19) VCF-style: chr8-120793434-C-A.
Identifiers: ClinVar variation 2506708 (VCV002506708.1), dbSNP rs1340113713, ClinGen allele CA371879507.